The following is an entry in ClinVar:

ClinVar aggregate classification (germline): Uncertain significance (1 of 4 stars; one submission).

Submission:

GeneDx
Classification: Uncertain significance. Last evaluated: 2022-10-04. Review status: criteria provided, single submitter. Criteria: GeneDx Variant Classification Process June 2021. Collection method: clinical testing. Allele origin: germline. Affected: yes.
Comment: Not observed at significant frequency in large population cohorts (gnomAD); In-silico analysis is inconclusive as to whether the variant alters gene splicing. In the absence of RNA/functional studies, the actual effect of this sequence change is unknown.; Has not been previously published as pathogenic or benign to our knowledge

NM_000503.6(EYA1):c.966+5G>T

Gene: EYA1 (EYA transcriptional coactivator and phosphatase 1; minus strand). Cytogenetic location: 8q13.3.
Variant type: single nucleotide variant.
Coding change: c.966+5G>T on transcript NM_000503.6 (MANE Select); 5 bases into the intron after coding-DNA position 966, G replaced by T.
Molecular consequence: intron variant.
Genome position (GRCh38, 1-based): chr8:71,271,753, C>A on the plus strand (G>T on the coding strand, the complement: EYA1 is on the minus strand). VCF-style: chr8-71271753-C-A. GRCh37 (hg19) VCF-style: chr8-72183988-C-A.
Other names: c.1035+5G>T (NM_001370336.1); c.1053+5G>T (NM_001370333.1); c.966+5G>T (NM_001370335.1, NM_001370334.1, NM_172058.4); c.1038+5G>T (NM_172059.5); c.600+5G>T (NM_001288575.2); c.948+5G>T (NM_001288574.2).
Identifiers: ClinVar variation 1800876 (VCV001800876.1), dbSNP rs606231357, ClinGen allele CA2580078922.